The following is an entry in ClinVar:

ClinVar aggregate classification (germline): Conflicting classifications of pathogenicity. Review status: criteria provided, conflicting classifications (1 of 4 stars). 3 submissions from 3 submitters: Uncertain significance (1); Likely benign (1). 1 of the submissions does not count toward it. Last evaluated 2025-12-24.

Conditions:
Ehlers-Danlos syndrome, dermatosparaxis type. Also called: Dermatosparaxis; Ehlers-Danlos syndrome, type VII, autosomal recessive; EDS VIIC. Identifiers: Orphanet 1901, MedGen C2700425, MONDO:0009161, OMIM 225410.
ADAMTS2-related disorder. Also called: ADAMTS2-related condition.

Allele frequency attached by ClinVar (database versions not stated): TOPMed below 0.00001; gnomAD 0.00001 and 0.00002; gnomAD exomes 0.00001; ExAC 0.00005; 1000 Genomes Project 30x 0.00016; 1000 Genomes Project 0.00020.
gnomAD v4.1: 26 of 1,609,476 alleles (0.0016%); highest among the groups gnomAD compares: East Asian, 0.0045%; no homozygotes.

Submissions (3):

Women's Health and Genetics/Laboratory Corporation of America, LabCorp
Classification: Uncertain significance. Last evaluated: 2025-12-24. Review status: criteria provided, single submitter. Criteria: LabCorp Variant Classification Summary - May 2015. Collection method: clinical testing. Allele origin: germline.
Comment: Variant summary: ADAMTS2 c.1236C>T (p.His412His) alters a conserved nucleotide located close to a canonical splice site and therefore could affect mRNA splicing, leading to a significantly altered protein sequence. Consensus agreement among computation tools predict no significant impact on normal splicing. However, these predictions have yet to be confirmed by functional studies. The variant allele was found at a frequency of 1.2e-05 in 241948 control chromosomes. The available data on variant occurrences in the general population are insufficient to allow any conclusion about variant significance. To our knowledge, no occurrence of c.1236C>T in individuals affected with ADAMTS2-related conditions and no experimental evidence demonstrating its impact on protein function have been reported. ClinVar contains an entry for this variant (Variation ID: 1094727). Based on the evidence outlined above, the variant was classified as uncertain significance.

Labcorp Genetics (formerly Invitae), Labcorp
Classification: Likely benign for Ehlers-Danlos syndrome, dermatosparaxis type. Last evaluated: 2025-12-01. Review status: criteria provided, single submitter. Criteria: Invitae Variant Classification Sherloc (09022015). Collection method: clinical testing. Allele origin: germline.

PreventionGenetics, part of Exact Sciences
Classification: Likely benign for ADAMTS2-related condition. Last evaluated: 2019-05-04. Review status: no assertion criteria provided. Collection method: clinical testing. Allele origin: germline. Not counted in ClinVar's aggregate classification.
Comment: This variant is classified as likely benign based on ACMG/AMP sequence variant interpretation guidelines (Richards et al. 2015 PMID: 25741868, with internal and published modifications).

NM_014244.5(ADAMTS2):c.1236C>T (p.His412=)

Gene: ADAMTS2 (ADAM metallopeptidase with thrombospondin type 1 motif 2; minus strand). Cytogenetic location: 5q35.3.
Variant type: single nucleotide variant.
Coding change: c.1236C>T on transcript NM_014244.5 (MANE Select); coding-DNA position 1236, C replaced by T.
Protein change: p.His412=; no amino-acid change (histidine 412 retained).
Molecular consequence: synonymous variant.
Genome position (GRCh38, 1-based): chr5:179,154,816, G>A on the plus strand (C>T on the coding strand, the complement: ADAMTS2 is on the minus strand). VCF-style: chr5-179154816-G-A. GRCh37 (hg19) VCF-style: chr5-178581817-G-A.
Other names: c.1236C>T, p.His412= (NM_021599.4); c.1236C>T (NM_014244.4).
Identifiers: ClinVar variation 1094727 (VCV001094727.10), dbSNP rs375556579, ClinGen allele CA3596004.